The following is an entry in ClinVar:

NM_001001331.4(ATP2B2):c.1043-2A>G

Gene: ATP2B2 (ATPase plasma membrane Ca2+ transporting 2; minus strand). Cytogenetic location: 3p25.3.
Variant type: single nucleotide variant.
Coding change: c.1043-2A>G on transcript NM_001001331.4 (MANE Select); the canonical splice acceptor site of the intron before coding-DNA position 1043, A replaced by G.
Molecular consequence: splice acceptor variant.
Genome position (GRCh38, 1-based): chr3:10,378,412, T>C on the plus strand (A>G on the coding strand, the complement: ATP2B2 is on the minus strand). VCF-style: chr3-10378412-T-C. GRCh37 (hg19) VCF-style: chr3-10420096-T-C.
Other names: c.908-2A>G (NM_001353564.1, NM_001683.5, NM_001330611.3 and 1 more transcripts).
Identifiers: ClinVar variation 3366952 (VCV003366952.1).

ClinVar aggregate classification (germline): Pathogenic (1 of 4 stars; one submission).

Conditions:
Hearing loss, autosomal dominant 82. Also called: Deafness, autosomal dominant 82. Identifiers: MedGen C5676948, MONDO:0030719, OMIM 619804.

Submission:

Institute of Immunology and Genetics Kaiserslautern
Classification: Pathogenic for Hearing loss, autosomal dominant 82. Last evaluated: 2024-08-20. Review status: criteria provided, single submitter. Criteria: ACMG Guidelines, 2015. Collection method: clinical testing. Allele origin: paternal. Affected: yes.
Comment: ACMG Criteria: PM2_P, PVS1, PP1.